The following is an entry in ClinVar:

NM_001041.4(SI):c.2343T>C (p.Tyr781=)

Gene: SI (sucrase-isomaltase; minus strand). Cytogenetic location: 3q26.1.
Variant type: single nucleotide variant.
Coding change: c.2343T>C on transcript NM_001041.4 (MANE Select); coding-DNA position 2343, T replaced by C.
Protein change: p.Tyr781=; no amino-acid change (tyrosine 781 retained).
Molecular consequence: synonymous variant.
Genome position (GRCh38, 1-based): chr3:165,037,983, A>G on the plus strand (T>C on the coding strand, the complement: SI is on the minus strand). VCF-style: chr3-165037983-A-G. GRCh37 (hg19) VCF-style: chr3-164755771-A-G.
Other names: c.2343T>C (NM_001041.3).
Identifiers: ClinVar variation 1561285 (VCV001561285.11), dbSNP rs539868642, ClinGen allele CA2690727.

ClinVar aggregate classification (germline): Benign/Likely benign. Review status: criteria provided, multiple submitters, no conflicts (2 of 4 stars). 3 submissions from 3 submitters: Benign (1); Likely benign (1). 1 of the submissions does not count toward it. Last evaluated 2025-01-23.

Conditions:
SI-related disorder. Also called: SI-related condition.
Sucrase-isomaltase deficiency (CSID). Also called: Congenital sucrose isomaltose malabsorption; Sucrose isomaltose enzyme deficiency; SI DEFICIENCY; Deficiency of isomaltase. Identifiers: Orphanet 35122, MedGen C1283620, MONDO:0009114, OMIM 222900.

Allele frequency attached by ClinVar (database versions not stated): TOPMed 0.00003; gnomAD 0.00017; gnomAD exomes 0.00022 and 0.00048; ExAC 0.00059; 1000 Genomes Project 30x 0.00141; 1000 Genomes Project 0.00160.
gnomAD v4.1: 334 of 1,609,554 alleles (0.021%); highest among the groups gnomAD compares: South Asian, 0.36%; 7 homozygotes.

Submissions (3):

Labcorp Genetics (formerly Invitae), Labcorp
Classification: Benign. Last evaluated: 2025-01-23. Review status: criteria provided, single submitter. Criteria: Invitae Variant Classification Sherloc (09022015). Collection method: clinical testing. Allele origin: germline.

Fulgent Genetics
Classification: Likely benign for Sucrase-isomaltase deficiency. Last evaluated: 2022-04-24. Review status: criteria provided, single submitter. Criteria: ACMG Guidelines, 2015. Collection method: clinical testing. Allele origin: unknown.

PreventionGenetics, part of Exact Sciences
Classification: Likely benign for SI-related condition. Last evaluated: 2021-04-16. Review status: no assertion criteria provided. Collection method: clinical testing. Allele origin: germline. Not counted in ClinVar's aggregate classification.
Comment: This variant is classified as likely benign based on ACMG/AMP sequence variant interpretation guidelines (Richards et al. 2015 PMID: 25741868, with internal and published modifications).